The following is an entry in ClinVar:

NM_007332.3(TRPA1):c.763A>G (p.Ile255Val)

Gene: TRPA1 (transient receptor potential cation channel subfamily A member 1; minus strand). Cytogenetic location: 8q21.11.
Variant type: single nucleotide variant.
Coding change: c.763A>G on transcript NM_007332.3 (MANE Select); coding-DNA position 763, A replaced by G.
Protein change: p.Ile255Val; replaces isoleucine 255 with valine.
Molecular consequence: missense variant.
Genome position (GRCh38, 1-based): chr8:72,062,843, T>C on the plus strand (A>G on the coding strand, the complement: TRPA1 is on the minus strand). VCF-style: chr8-72062843-T-C. GRCh37 (hg19) VCF-style: chr8-72975078-T-C.
Other names: c.763A>G (NM_007332.2); short protein forms I255V.
Identifiers: ClinVar variation 1335716 (VCV001335716.36), dbSNP rs199550426, ClinGen allele CA4781125.

ClinVar aggregate classification (germline): Conflicting classifications of pathogenicity. Review status: criteria provided, conflicting classifications (1 of 4 stars). 2 submissions from 2 submitters: Uncertain significance (1); Likely benign (1). Last evaluated 2023-12-01.

Allele frequency attached by ClinVar (database versions not stated): ESP Exome Variant Server 0.00008; TOPMed 0.00014; ExAC 0.00015; gnomAD exomes 0.00015 and 0.00029; gnomAD 0.00017 and 0.00018.
gnomAD v4.1: 264 of 1,613,946 alleles (0.016%); highest among the groups gnomAD compares: Non-Finnish European, 0.0024%; 2 homozygotes.

Submissions (2):

CeGaT Center for Human Genetics Tuebingen
Classification: Likely benign. Last evaluated: 2023-12-01. Review status: criteria provided, single submitter. Criteria: CeGaT Center For Human Genetics Tuebingen Variant Classification Criteria Version 2. Collection method: clinical testing. Allele origin: germline. Affected: yes. Observed: 2 variant alleles.
Comment: TRPA1: BP4, BS1

Ambry Genetics
Classification: Uncertain significance. Last evaluated: 2022-10-03. Review status: criteria provided, single submitter. Criteria: Ambry Variant Classification Scheme 2023. Collection method: clinical testing. Allele origin: germline.